The following is an entry in ClinVar:

ClinVar aggregate classification (germline): Pathogenic/Likely pathogenic. Review status: criteria provided, multiple submitters, no conflicts (2 of 4 stars). 6 submissions from 6 submitters: Pathogenic (1); Likely pathogenic (5). Last evaluated 2026-08-12.

Conditions:
Congenital myasthenic syndrome (CMS). Also called: Congenital Myasthenic Syndromes. Identifiers: Orphanet 590, MedGen C0751882, MeSH D020294, MONDO:0018940.
Congenital myasthenic syndrome 4A. Also called: Myasthenic syndrome, congenital, 4a, slow-channel; CONGENITAL MYASTHENIC SYNDROME TYPE Ia1; MYASTHENIC SYNDROME, CONGENITAL, 4A, SLOW-CHANNEL, AUTOSOMAL RECESSIVE. Identifiers: Orphanet 590, MedGen C4225413, MONDO:0011600, OMIM 605809.

Submissions (6):

Myriad Genetics, Inc.
Classification: Likely pathogenic for Congenital myasthenic syndrome. Last evaluated: 2026-08-12. Review status: criteria provided, single submitter. Criteria: Myriad Autosomal Dominant, Autosomal Recessive and X-Linked Classification Criteria (2023). Collection method: clinical testing. Allele origin: unknown.
Comment: NM_000080.3(CHRNE):c.529_531delGAG(E177del) is an in-frame deletion classified as likely pathogenic in the context of congenital myasthenic syndrome, CHRNE-related. E177del has been observed in cases with relevant disease (PMID: 15145336, 40571342). Relevant functional assessments of this variant are available in the literature (PMID: 15145336). Internal structural analysis of the variant is supportive of pathogenicity. E177del has been observed in referenced population frequency databases. In summary, NM_000080.3(CHRNE):c.529_531delGAG(E177del) is an in-frame deletion that has both functional and internal structural support for pathogenicity and has been observed more frequently in cases with the relevant disease than in healthy populations. Please note: this variant was assessed in the context of healthy population screening.

Labcorp Genetics (formerly Invitae), Labcorp
Classification: Likely pathogenic for Congenital myasthenic syndrome 4A. Last evaluated: 2026-01-25. Review status: criteria provided, single submitter. Criteria: Invitae Variant Classification Sherloc (09022015). Collection method: clinical testing. Allele origin: germline.
Comment: This variant, c.529_531del, results in the deletion of 1 amino acid(s) of the CHRNE protein (p.Glu177del), but otherwise preserves the integrity of the reading frame. This variant is present in population databases (rs779816027, gnomAD 0.003%). This variant has been observed in individual(s) with clinical features of autosomal recessive congenital myasthenic syndrome (CMS) (PMID: 15145336; internal data). In at least one individual the data is consistent with being in trans (on the opposite chromosome) from a pathogenic variant. This variant is also known as E157del. ClinVar contains an entry for this variant (Variation ID: 804695). Algorithms developed to predict the effect of variants on gene product structure and function are not available or were not evaluated for this variant. Experimental studies have shown that this variant affects CHRNE function (PMID: 15145336). Algorithms developed to predict the effect of sequence changes on RNA splicing suggest that this variant may disrupt the consensus splice site. In summary, the currently available evidence indicates that the variant is pathogenic, but additional data are needed to prove that conclusively. Therefore, this variant has been classified as Likely Pathogenic.

Natera, Inc.
Classification: Likely pathogenic for Congenital myasthenic syndrome. Last evaluated: 2025-07-14. Review status: criteria provided, single submitter. Criteria: Natera Variant Classification Schema (03/2026). Collection method: clinical testing. Allele origin: germline.
Comment: The c.529_531delGAG variant in CHRNE is an in-frame deletion predicted to remove glutamic acid at amino acid 177 while preserving the reading frame. This variant is rare in the general population with a frequency below the threshold expected for the associated phenotype(s). Functional studies show that this variant may disrupt protein function (PMID: 15145336). This variant results in a change to the protein length while preserving reading frame, which may disrupt normal protein structure or function. Computational prediction algorithms indicate this variant is likely to affect gene or protein function. Given the available evidence, this variant is classified as Likely Pathogenic.

Baylor Genetics
Classification: Likely pathogenic for Congenital myasthenic syndrome 4A. Last evaluated: 2024-03-25. Review status: criteria provided, single submitter. Criteria: ACMG Guidelines, 2015. Collection method: clinical testing. Allele origin: unknown.

GeneDx
Classification: Pathogenic. Last evaluated: 2022-10-31. Review status: criteria provided, single submitter. Criteria: GeneDx Variant Classification Process June 2021. Collection method: clinical testing. Allele origin: germline. Affected: yes.
Comment: In-frame deletion of 1 amino acid in a non-repeat region; Published functional studies demonstrate a damaging effect, as expression of E177del in human embryonic kidney cells results in loss of AChR surface expression (Burke et al., 2004); Not observed at significant frequency in large population cohorts (gnomAD); In silico analysis supports a deleterious effect on protein structure/function; This variant is associated with the following publications: (PMID: 15145336)

Athena Diagnostics
Classification: Likely pathogenic. Last evaluated: 2019-04-17. Review status: criteria provided, single submitter. Criteria: Athena Diagnostics Criteria. Collection method: clinical testing. Allele origin: germline.
Comment: The best available variant frequency is uninformative because it is below the disease allele frequency. Found in at least one symptomatic patient. Located in potentially critical domain of the protein. Damaging to protein function(s) relevant to disease mechanism.

Literature cited by the submitters: PubMed 15145336 (cited by 4 submitters); PubMed 40571342 (cited by Myriad Genetics, Inc.).

NM_000080.4(CHRNE):c.529_531del (p.Glu177del)

Genes: C17orf107 (chromosome 17 open reading frame 107; plus strand), CHRNE (cholinergic receptor nicotinic epsilon subunit; minus strand). Cytogenetic location: 17p13.2.
Variant type: Deletion.
Coding change: c.529_531del on transcript NM_000080.4 (MANE Select); coding-DNA positions 529 to 531, 3 bases deleted (GAG; older notation c.529_531delGAG).
Protein change: p.Glu177del; deletes glutamic acid 177.
Molecular consequence: inframe deletion. On other transcripts: 3 prime UTR variant (1).
Genome position (GRCh38, 1-based): chr17:4,901,595-4,901,597, CTC deleted on the plus strand (GAG on the coding strand, the reverse complement: CHRNE is on the minus strand); deleting any 3 consecutive bases within chr17:4,901,595-4,901,598 gives the same sequence; the c. name uses the placement nearest the transcript's 3' end. VCF-style (leftmost placement, unchanged base first): chr17-4901594-ACTC-A. GRCh37 (hg19) VCF-style: chr17-4804889-ACTC-A.
Other names: c.529_531delGAG (NM_000080.3); c.*1063_*1065del (NM_001145536.2); short protein forms E177del.
Identifiers: ClinVar variation 804695 (VCV000804695.16), dbSNP rs779816027, ClinGen allele CA8314370.